The following is an entry in ClinVar:

NM_020975.6(RET):c.236G>A (p.Arg79Gln)

Gene: RET (ret proto-oncogene; plus strand). Cytogenetic location: 10q11.21.
Variant type: single nucleotide variant.
Coding change: c.236G>A on transcript NM_020975.6 (MANE Select); coding-DNA position 236, G replaced by A.
Protein change: p.Arg79Gln; replaces arginine 79 with glutamine.
Molecular consequence: missense variant.
Genome position (GRCh38, 1-based): chr10:43,100,621, G>A. VCF-style: chr10-43100621-G-A. GRCh37 (hg19) VCF-style: chr10-43596069-G-A.
Other names: c.236G>A, p.Arg79Gln (NM_000323.2, NM_001406743.1, NM_001406744.1 and 34 more transcripts); short protein forms R79Q.
Identifiers: ClinVar variation 477345 (VCV000477345.19), dbSNP rs1318325737, ClinGen allele CA376770372.
Genomic context (GRCh38, chr10:43,100,621, plus strand): 5'-CCCCTGAGGAGGTGCCCAGCTTCCGCCTGGGCCAGCATCTCTACGGCACGTACCGCACAC[G>A]GCTGCATGAGAACAACTGGATCTGCATCCAGGAGGACACCGGCCTCCTCTACCTTAACCG-3'
Protein context (NP_066124.1, residues 69-89): GQHLYGTYRT[Arg79Gln]LHENNWICIQ

ClinVar aggregate classification (germline): Conflicting classifications of pathogenicity. Review status: criteria provided, conflicting classifications (1 of 4 stars). 7 submissions from 7 submitters: Uncertain significance (6); Likely benign (1). Last evaluated 2025-08-04.

Conditions:
Hereditary cancer-predisposing syndrome. Also called: Hereditary Cancer Syndrome; Hereditary neoplastic syndrome; Tumor predisposition; Neoplastic Syndromes, Hereditary. Identifiers: Orphanet 140162, MedGen C0027672, MeSH D009386, MONDO:0015356.
Familial medullary thyroid carcinoma (MTC). Also called: Familial Medullary Thyroid Carcinoma (FMTC); Thyroid cancer, familial medullary; MTC, familial. Identifiers: Orphanet 653, Orphanet 99361, MedGen C1833921, MONDO:0007958, OMIM 155240.
Pheochromocytoma. Also called: MAX-Related Hereditary Paraganglioma-Pheochromocytoma Syndrome. Identifiers: Orphanet 29072, MedGen C0031511, MONDO:0008233, OMIM 171300, HP:0002666.
Multiple endocrine neoplasia type 2A. Also called: Multiple Endocrine Neoplasia Type 2A (MEN2A); MULTIPLE ENDOCRINE NEOPLASIA, TYPE IIA; PTC SYNDROME; SIPPLE SYNDROME; MEN 2A; MEN-2A syndrome. Identifiers: Orphanet 247698, Orphanet 653, MedGen C0025268, MeSH D018813, MONDO:0008234, OMIM 171400.
Hirschsprung disease, susceptibility to, 1 (HSCR1). Also called: RET-Related Hirschsprung Disease. Identifiers: Orphanet 388, MedGen C3888239, MONDO:0007723, OMIM 142623.
Multiple endocrine neoplasia type 2B. Also called: WAGENMANN-FROBOESE SYNDROME; MULTIPLE ENDOCRINE NEOPLASIA, TYPE III; MUCOSAL NEUROMA SYNDROME; Multiple Endocrine Neoplasia Type 2B (MEN2B); Multiple endocrine neoplasia, type 3; MULTIPLE ENDOCRINE NEOPLASIA, TYPE IIB. Identifiers: Orphanet 247709, Orphanet 653, MedGen C0025269, MeSH D018814, MONDO:0008082, OMIM 162300.
Multiple endocrine neoplasia, type 2 (MEN2). Identifiers: Orphanet 653, MedGen C4048306, MONDO:0019003. Disease mechanism: gain of function.

Allele frequency attached by ClinVar (database versions not stated): gnomAD 0.00001; gnomAD exomes 0.00001; TOPMed 0.00001.
gnomAD v4.1: 10 of 1,613,734 alleles (0.00062%); highest among the groups gnomAD compares: Admixed American, 0.0017%; no homozygotes.

Submissions (7):

Quest Diagnostics Nichols Institute San Juan Capistrano
Classification: Uncertain significance. Last evaluated: 2025-08-04. Review status: criteria provided, single submitter. Criteria: Quest Diagnostics criteria. Collection method: clinical testing. Allele origin: unknown.

Color Diagnostics, LLC DBA Color Health
Classification: Uncertain significance for Multiple endocrine neoplasia, type 2. Last evaluated: 2025-05-27. Review status: criteria provided, single submitter. Criteria: ACMG Guidelines, 2015. Collection method: clinical testing. Allele origin: germline.
Comment: This missense variant replaces arginine with glutamine at codon 79 of the RET protein. Computational prediction suggests that this variant may not impact protein structure and function. To our knowledge, functional studies have not been reported for this variant. This variant has not been reported in individuals affected with RET-related disorders in the literature. This variant has been identified in 4/281878 chromosomes in the general population by the Genome Aggregation Database (gnomAD). The available evidence is insufficient to determine the role of this variant in disease conclusively. Therefore, this variant is classified as a Variant of Uncertain Significance.

Labcorp Genetics (formerly Invitae), Labcorp
Classification: Uncertain significance for Multiple endocrine neoplasia, type 2. Last evaluated: 2024-12-21. Review status: criteria provided, single submitter. Criteria: Invitae Variant Classification Sherloc (09022015). Collection method: clinical testing. Allele origin: germline.
Comment: This sequence change replaces arginine, which is basic and polar, with glutamine, which is neutral and polar, at codon 79 of the RET protein (p.Arg79Gln). This variant is present in population databases (no rsID available, gnomAD 0.004%). This variant has not been reported in the literature in individuals affected with RET-related conditions. ClinVar contains an entry for this variant (Variation ID: 477345). An algorithm developed to predict the effect of missense changes on protein structure and function outputs the following: PolyPhen-2: "Benign". The glutamine amino acid residue is found in multiple mammalian species, which suggests that this missense change does not adversely affect protein function. In summary, the available evidence is currently insufficient to determine the role of this variant in disease. Therefore, it has been classified as a Variant of Uncertain Significance.

All of Us Research Program, National Institutes of Health
Classification: Uncertain significance for Multiple endocrine neoplasia, type 2. Last evaluated: 2024-06-07. Review status: criteria provided, single submitter. Criteria: ACMG Guidelines, 2015. Collection method: clinical testing. Allele origin: germline. Inheritance: Autosomal dominant inheritance. Observed: 4 variant alleles, 4 heterozygotes.
Comment: This missense variant replaces arginine with glutamine at codon 79 of the RET protein. Computational prediction suggests that this variant may not impact protein structure and function (internally defined REVEL score threshold <= 0.5, PMID: 27666373). To our knowledge, functional studies have not been reported for this variant. This variant has not been reported in individuals affected with RET-related disorders in the literature. This variant has been identified in 4/281878 chromosomes in the general population by the Genome Aggregation Database (gnomAD). The available evidence is insufficient to determine the role of this variant in disease conclusively. Therefore, this variant is classified as a Variant of Uncertain Significance.

This study involves interpretation of variants in research participants for the purpose of population health screening. Participant phenotype was not available at the time of variant classification. Additional details can be found in publication PMID: 35346344, PMCID: PMC8962531

Ambry Genetics
Classification: Likely benign for Hereditary cancer-predisposing syndrome. Last evaluated: 2024-02-27. Review status: criteria provided, single submitter. Criteria: Ambry Variant Classification Scheme 2023. Collection method: clinical testing. Allele origin: germline.

GeneDx
Classification: Uncertain significance. Last evaluated: 2023-11-12. Review status: criteria provided, single submitter. Criteria: GeneDx Variant Classification Process June 2021. Collection method: clinical testing. Allele origin: germline. Affected: yes.
Comment: Not observed at significant frequency in large population cohorts (gnomAD); In silico analysis supports that this missense variant does not alter protein structure/function; Has not been previously published as pathogenic or benign to our knowledge; This variant is associated with the following publications: (PMID: 14633923, 32293499)

Fulgent Genetics
Classification: Uncertain significance for Hirschsprung disease, susceptibility to, 1; Familial medullary thyroid carcinoma; Multiple endocrine neoplasia type 2B; Pheochromocytoma; Multiple endocrine neoplasia type 2A. Last evaluated: 2022-02-01. Review status: criteria provided, single submitter. Criteria: ACMG Guidelines, 2015. Collection method: clinical testing. Allele origin: unknown.